The following is an entry in ClinVar:

NM_001845.6(COL4A1):c.364A>C (p.Ile122Leu)

Gene: COL4A1 (collagen type IV alpha 1 chain; minus strand). Cytogenetic location: 13q34.
Variant type: single nucleotide variant.
Coding change: c.364A>C on transcript NM_001845.6 (MANE Select); coding-DNA position 364, A replaced by C.
Protein change: p.Ile122Leu; replaces isoleucine 122 with leucine.
Molecular consequence: missense variant.
Genome position (GRCh38, 1-based): chr13:110,212,440, T>G on the plus strand (A>C on the coding strand, the complement: COL4A1 is on the minus strand). VCF-style: chr13-110212440-T-G. GRCh37 (hg19) VCF-style: chr13-110864787-T-G.
Other names: c.364A>C, p.Ile122Leu (NM_001303110.2); short protein forms I122L.
Identifiers: ClinVar variation 1708972 (VCV001708972.2), dbSNP rs2501603225, ClinGen allele CA388726341.

ClinVar aggregate classification (germline): Uncertain significance (1 of 4 stars; one submission).

Conditions:
Brain small vessel disease 1 with or without ocular anomalies (BSVD1). Also called: Brain small vessel disease with or without ocular anomalies; BRAIN SMALL VESSEL DISEASE WITH HEMORRHAGE; GOULD SYNDROME 1; PORENCEPHALY, TYPE 1, AUTOSOMAL DOMINANT. Identifiers: Orphanet 2940, Orphanet 36383, Orphanet 99810, MedGen C4755307, MONDO:0008289, OMIM 175780.

Submission:

MGZ Medical Genetics Center
Classification: Uncertain significance for Brain small vessel disease 1 with or without ocular anomalies. Last evaluated: 2021-11-22. Review status: criteria provided, single submitter. Criteria: ACMG Guidelines, 2015. Collection method: clinical testing. Allele origin: germline. Affected: yes. Observed: 1 variant allele.
Comment: ACMG criteria applied: PM2_SUP, PP3